The following is an entry in ClinVar:

NC_012920.1(MT-ND6):m.14189A>G

Gene: MT-ND6 (mitochondrially encoded NADH dehydrogenase 6; minus strand).
Variant type: single nucleotide variant.
Genome position: chrM-14189-A-G.
Identifiers: ClinVar variation 693686 (VCV000693686.1), dbSNP rs1603224589, ClinGen allele CA414821305.

ClinVar aggregate classification (germline): Likely benign (1 of 4 stars; one submission).

Conditions:
Leigh syndrome (NULS). Also called: Leigh's necrotizing encephalopathy; Leigh's disease; Leigh's syndrome; LEIGH SYNDROME, NUCLEAR; Leigh Syndrome (mtDNA deletion); Leigh Disease. Identifiers: Orphanet 506, MedGen C2931891, MONDO:0009723, OMIM 256000.

Submission:

Wong Mito Lab, Molecular and Human Genetics, Baylor College of Medicine
Classification: Likely benign for Leigh syndrome. Last evaluated: 2019-10-17. Review status: criteria provided, single submitter. Criteria: Modified ACMG Guidelines (Unpublished). Collection method: clinical testing. Allele origin: germline.
Comment: The NC_012920.1:m.14189A>G (YP_003024037.1:p.Val162Ala) variant in MTND6 gene is interpretated to be a Likely Benign variant based on the modified ACMG guidelines (unpublished). This variant meets the following evidence codes: BS1, BP6